The following is an entry in ClinVar:

NM_001374736.1(DST):c.16924C>G (p.Gln5642Glu)

Gene: DST (dystonin; minus strand). Cytogenetic location: 6p12.1.
Variant type: single nucleotide variant.
Coding change: c.16924C>G on transcript NM_001374736.1 (MANE Select); coding-DNA position 16924, C replaced by G.
Protein change: p.Gln5642Glu; replaces glutamine 5642 with glutamic acid.
Molecular consequence: missense variant.
Genome position (GRCh38, 1-based): chr6:56,535,139, G>C on the plus strand (C>G on the coding strand, the complement: DST is on the minus strand). VCF-style: chr6-56535139-G-C. GRCh37 (hg19) VCF-style: chr6-56399937-G-C.
Other names: c.10567C>G, p.Gln3523Glu (NM_001144769.5); c.10153C>G, p.Gln3385Glu (NM_001144770.2); c.16924C>G, p.Gln5642Glu (NM_001374722.1); c.16291C>G, p.Gln5431Glu (NM_001374729.1); c.10033C>G, p.Gln3345Glu (NM_001374730.1, NM_001386100.1, NM_183380.4); c.16951C>G, p.Gln5651Glu (NM_001374734.1); c.9055C>G, p.Gln3019Glu (NM_015548.5); short protein forms Q3345E, Q3523E, Q5651E, Q3385E, Q5642E, Q3019E, Q5431E.
Identifiers: ClinVar variation 2921576 (VCV002921576.3), dbSNP rs2534940654, ClinGen allele CA364510661.
Genomic context (GRCh38, chr6:56,535,139, plus strand): 5'-AAGATTTAATATGAAACGCAATACAAAAGCATGACTAACTTACCTTTTGTTCTTGTATCT[G>C]GGCCTTTACCACTTTGAACTCAGCCGACGGGGGCTTCTGATTGGCCACAAGCTCCTCAGT-3'
Protein context (NP_001361665.1, residues 5632-5652): PSAEFKVVKA[Gln5642Glu]IQEQKLLQRL

ClinVar aggregate classification (germline): Uncertain significance (1 of 4 stars; one submission).

Conditions:
Hereditary sensory and autonomic neuropathy type 6. Also called: Neuropathy, hereditary sensory and autonomic, type VI; HSAN VI. Identifiers: Orphanet 314381, MedGen C3539003, MONDO:0013839, OMIM 614653.
Epidermolysis bullosa simplex 3, localized or generalized intermediate, with BP230 deficiency (EBS3). Also called: Epidermolysis bullosa simplex, autosomal recessive 2; Epidermolysis bullosa simplex due to BP230 deficiency. Identifiers: Orphanet 412181, MedGen C3809470, MONDO:0014180, OMIM 615425.

Submission:

Labcorp Genetics (formerly Invitae), Labcorp
Classification: Uncertain significance for Epidermolysis bullosa simplex 3, localized or generalized intermediate, with BP230 deficiency; Hereditary sensory and autonomic neuropathy type 6. Last evaluated: 2023-12-19. Review status: criteria provided, single submitter. Criteria: Invitae Variant Classification Sherloc (09022015). Collection method: clinical testing. Allele origin: germline.
Comment: The DST gene has multiple clinically relevant transcripts. This variant occurs in alternate transcript NM_015548.4, and corresponds to NM_001723.5:c.*80378C>G in the primary transcript. This sequence change replaces glutamine, which is neutral and polar, with glutamic acid, which is acidic and polar, at codon 3019 of the DST protein (p.Gln3019Glu). This variant is not present in population databases (gnomAD no frequency). This variant has not been reported in the literature in individuals affected with DST-related conditions. Experimental studies and prediction algorithms are not available or were not evaluated, and the functional significance of this variant is currently unknown. In summary, the available evidence is currently insufficient to determine the role of this variant in disease. Therefore, it has been classified as a Variant of Uncertain Significance.